The following is an entry in ClinVar:

NM_000414.4(HSD17B4):c.1854+1G>T

Gene: HSD17B4 (hydroxysteroid 17-beta dehydrogenase 4; plus strand). Cytogenetic location: 5q23.1.
Variant type: single nucleotide variant.
Coding change: c.1854+1G>T on transcript NM_000414.4 (MANE Select); the canonical splice donor site of the intron after coding-DNA position 1854, G replaced by T.
Molecular consequence: splice donor variant.
Genome position (GRCh38, 1-based): chr5:119,529,981, G>T. VCF-style: chr5-119529981-G-T. GRCh37 (hg19) VCF-style: chr5-118865676-G-T.
Other names: c.1443+1G>T (NM_001374503.1, NM_001374502.1, NM_001374501.1); c.1929+1G>T (NM_001199291.3); c.1527+1G>T (NM_001374499.1); c.1413+1G>T (NM_001374500.1); c.1434+1G>T (NM_001292028.2); c.1782+1G>T (NM_001292027.2, NM_001374498.1); c.1845+1G>T (NM_001374497.1); c.1800+1G>T (NM_001199292.2).
Identifiers: ClinVar variation 5004705 (VCV005004705.1).

ClinVar aggregate classification (germline): Uncertain significance (1 of 4 stars; one submission).

Conditions:
Bifunctional peroxisomal enzyme deficiency (DBIF). Also called: DBP DEFICIENCY; D-bifunctional protein deficiency; PBFE DEFICIENCY. Identifiers: Orphanet 300, MedGen C0342870, MONDO:0009855, OMIM 261515. Disease mechanism: loss of function.

Submission:

Myriad Genetics, Inc.
Classification: Uncertain significance for Bifunctional peroxisomal enzyme deficiency. Last evaluated: 2026-06-04. Review status: criteria provided, single submitter. Criteria: Myriad Autosomal Dominant, Autosomal Recessive and X-Linked Classification Criteria (2023). Collection method: clinical testing. Allele origin: unknown.
Comment: NM_000414.3(HSD17B4):c.1854+1G>T is a variant in a canonical splice site classified as a variant of uncertain significance in the context of HSD17B4-related disorders. c.1854+1G>T has not been observed in cases with relevant disease. Relevant functional assessments of this variant are not available in the literature. c.1854+1G>T has not been observed in referenced population frequency databases. In summary, there is insufficient evidence to classify NM_000414.3(HSD17B4):c.1854+1G>T as pathogenic or benign. Please note: this variant was assessed in the context of healthy population screening.